The following is an entry in ClinVar:

ClinVar aggregate classification (germline): Uncertain significance (1 of 4 stars; one submission).

Allele frequency attached by ClinVar (database versions not stated): TOPMed 0.00001.
gnomAD v4.1: 1 of 1,614,078 alleles (0.000062%); no homozygotes.

Submission:

Labcorp Genetics (formerly Invitae), Labcorp
Classification: Uncertain significance. Last evaluated: 2022-05-17. Review status: criteria provided, single submitter. Criteria: Invitae Variant Classification Sherloc (09022015). Collection method: clinical testing. Allele origin: germline.
Comment: In summary, the available evidence is currently insufficient to determine the role of this variant in disease. Therefore, it has been classified as a Variant of Uncertain Significance. Advanced modeling of protein sequence and biophysical properties (such as structural, functional, and spatial information, amino acid conservation, physicochemical variation, residue mobility, and thermodynamic stability) performed at Invitae indicates that this missense variant is not expected to disrupt ROR2 protein function. This variant has not been reported in the literature in individuals affected with ROR2-related conditions. This variant is not present in population databases (gnomAD no frequency). This sequence change replaces arginine, which is basic and polar, with serine, which is neutral and polar, at codon 474 of the ROR2 protein (p.Arg474Ser).

NM_004560.4(ROR2):c.1422G>T (p.Arg474Ser)

Gene: ROR2 (receptor tyrosine kinase like orphan receptor 2; minus strand). Cytogenetic location: 9q22.31.
Variant type: single nucleotide variant.
Coding change: c.1422G>T on transcript NM_004560.4 (MANE Select); coding-DNA position 1422, G replaced by T.
Protein change: p.Arg474Ser; replaces arginine 474 with serine.
Molecular consequence: missense variant.
Genome position (GRCh38, 1-based): chr9:91,725,072, C>A on the plus strand (G>T on the coding strand, the complement: ROR2 is on the minus strand). VCF-style: chr9-91725072-C-A. GRCh37 (hg19) VCF-style: chr9-94487354-C-A.
Other names: short protein forms R474S.
Identifiers: ClinVar variation 2099391 (VCV002099391.4), dbSNP rs1331743009, ClinGen allele CA373798973.